The following is an entry in ClinVar:

ClinVar aggregate classification (germline): Pathogenic (1 of 4 stars; one submission).

Conditions:
Hereditary breast ovarian cancer syndrome. Also called: Hereditary breast and ovarian cancer; Hereditary breast and ovarian cancer syndrome; Breast and ovarian cancer; BRCA1- and BRCA2-Associated Hereditary Breast and Ovarian Cancer; Hereditary breast and ovarian cancer syndrome (HBOC); Hereditary breast and/or ovarian cancer syndrome. Identifiers: Orphanet 145, MedGen C0677776, MeSH D061325, MONDO:0003582. Disease mechanism: loss of function.

Submission:

Labcorp Genetics (formerly Invitae), Labcorp
Classification: Pathogenic for Hereditary breast ovarian cancer syndrome. Last evaluated: 2023-06-07. Review status: criteria provided, single submitter. Criteria: Invitae Variant Classification Sherloc (09022015). Collection method: clinical testing. Allele origin: germline.
Comment: This variant is not present in population databases (gnomAD no frequency). This sequence change creates a premature translational stop signal (p.Lys1183Glnfs*4) in the BRCA1 gene. It is expected to result in an absent or disrupted protein product. Loss-of-function variants in BRCA1 are known to be pathogenic (PMID: 20104584). This variant has not been reported in the literature in individuals affected with BRCA1-related conditions. For these reasons, this variant has been classified as Pathogenic.

Literature cited by the submitters: PubMed 20104584.

NM_007294.4(BRCA1):c.3547_3560del (p.Lys1183fs)

Genes: BRCA1 (BRCA1 DNA repair associated; minus strand), LOC126862571 (BRD4-independent group 4 enhancer GRCh37_chr17:41243136-41244335; plus strand). Cytogenetic location: 17q21.31.
Variant type: Deletion.
Coding change: c.3547_3560del on transcript NM_007294.4 (MANE Select); coding-DNA positions 3547 to 3560, 14 bases deleted (AAAGGAGAGCTTAG).
Protein change: p.Lys1183fs; shifts the reading frame from lysine 1183.
Molecular consequence: frameshift variant. On other transcripts: intron variant (135).
Genome position (GRCh38, 1-based): chr17:43,091,971-43,091,984, CTAAGCTCTCCTTT deleted on the plus strand (AAAGGAGAGCTTAG on the coding strand, the reverse complement: BRCA1 is on the minus strand); deleting any 14 consecutive bases within chr17:43,091,971-43,091,986 gives the same sequence; the c. name uses the placement nearest the transcript's 3' end. VCF-style (leftmost placement, unchanged base first): chr17-43091970-GCTAAGCTCTCCTTT-G. GRCh37 (hg19) VCF-style: chr17-41243987-GCTAAGCTCTCCTTT-G.
Other names: c.3547_3560del, p.Lys1183fs (NM_001407854.1, NM_001407858.1, NM_001407859.1 and 30 more transcripts); c.3544_3557del, p.Lys1182fs (NM_001407860.1, NM_001407861.1, NM_001407587.1 and 22 more transcripts); c.3337_3350del, p.Lys1113fs (NM_001407885.1, NM_001407886.1, NM_001407879.1 and 13 more transcripts); c.3424_3437del, p.Lys1142fs (NM_001407863.1, NM_001407919.1, NM_001407937.1 and 19 more transcripts); c.3343_3356del, p.Lys1115fs (NM_001407874.1, NM_001407875.1); c.3346_3359del, p.Lys1116fs (NM_001407862.1); c.3334_3347del, p.Lys1112fs (NM_001407897.1, NM_001407898.1, NM_001407899.1 and 9 more transcripts); c.3283_3296del, p.Lys1095fs (NM_001407920.1, NM_001407921.1, NM_001407922.1 and 9 more transcripts); and 41 more; short protein forms K1055fs, K1156fs, K1116fs, K1182fs, K887fs, K1015fs, K1071fs, K1094fs.
Identifiers: ClinVar variation 2812748 (VCV002812748.3), dbSNP rs2552144790, ClinGen allele CA2739265621.